The following is an entry in ClinVar:

ClinVar aggregate classification (germline): Uncertain significance. Review status: criteria provided, multiple submitters, no conflicts (2 of 4 stars). 2 submissions from 2 submitters: Uncertain significance (2). Last evaluated 2021-08-27.

Conditions:
Inborn genetic diseases. Identifiers: MedGen C0950123, MeSH D030342.

Allele frequency attached by ClinVar (database versions not stated): gnomAD exomes below 0.00001.
gnomAD v4.1: 1 of 1,614,040 alleles (0.000062%); highest among the groups gnomAD compares: African/African-American, 0.0013%; no homozygotes.

Submissions (2):

Labcorp Genetics (formerly Invitae), Labcorp
Classification: Uncertain significance. Last evaluated: 2021-08-27. Review status: criteria provided, single submitter. Criteria: Invitae Variant Classification Sherloc (09022015). Collection method: clinical testing. Allele origin: germline.
Comment: This sequence change replaces glycine with serine at codon 518 of the SLC25A12 protein (p.Gly518Ser). The glycine residue is moderately conserved and there is a small physicochemical difference between glycine and serine. This variant is not present in population databases (ExAC no frequency). This variant has not been reported in the literature in individuals affected with SLC25A12-related conditions. Algorithms developed to predict the effect of missense changes on protein structure and function (SIFT, PolyPhen-2, Align-GVGD) all suggest that this variant is likely to be tolerated. In summary, the available evidence is currently insufficient to determine the role of this variant in disease. Therefore, it has been classified as a Variant of Uncertain Significance.

Ambry Genetics
Classification: Uncertain significance for Inborn genetic diseases. Last evaluated: 2021-08-17. Review status: criteria provided, single submitter. Criteria: Ambry Variant Classification Scheme 2023. Collection method: clinical testing. Allele origin: germline.

NM_003705.5(SLC25A12):c.1552G>A (p.Gly518Ser)

Gene: SLC25A12 (solute carrier family 25 member 12; minus strand). Cytogenetic location: 2q31.1.
Variant type: single nucleotide variant.
Coding change: c.1552G>A on transcript NM_003705.5 (MANE Select); coding-DNA position 1552, G replaced by A.
Protein change: p.Gly518Ser; replaces glycine 518 with serine.
Molecular consequence: missense variant. On other transcripts: non-coding transcript variant (1).
Genome position (GRCh38, 1-based): chr2:171,791,484, C>T on the plus strand (G>A on the coding strand, the complement: SLC25A12 is on the minus strand). VCF-style: chr2-171791484-C-T. GRCh37 (hg19) VCF-style: chr2-172647994-C-T.
Other names: c.1552G>A (NM_003705.3); short protein forms G518S.
Identifiers: ClinVar variation 665697 (VCV000665697.6), dbSNP rs1574673741, ClinGen allele CA349288721.